The following is an entry in ClinVar:

NM_014425.5(INVS):c.2013G>A (p.Gln671=)

Gene: INVS (inversin; plus strand). Cytogenetic location: 9q31.1.
Variant type: single nucleotide variant.
Coding change: c.2013G>A on transcript NM_014425.5 (MANE Select); coding-DNA position 2013, G replaced by A.
Protein change: p.Gln671=; no amino-acid change (glutamine 671 retained).
Molecular consequence: synonymous variant. On other transcripts: non-coding transcript variant (1).
Genome position (GRCh38, 1-based): chr9:100,284,548, G>A. VCF-style: chr9-100284548-G-A. GRCh37 (hg19) VCF-style: chr9-103046830-G-A.
Other names: c.1725G>A, p.Gln575= (NM_001318381.2); c.1035G>A, p.Gln345= (NM_001318382.2).
Identifiers: ClinVar variation 4992548 (VCV004992548.1).

ClinVar aggregate classification (germline): Likely benign (1 of 4 stars; one submission).

Conditions:
INVS-related disorder. Also called: INVS-related condition.

gnomAD v4.1: 1 of 1,613,958 alleles (0.000062%); highest among the groups gnomAD compares: East Asian, 0.0022%; no homozygotes.

Submission:

PreventionGenetics, part of Exact Sciences
Classification: Likely benign for INVS-related condition. Last evaluated: 2025-08-29. Review status: criteria provided, single submitter. Criteria: ACMG Guidelines, 2015. Collection method: clinical testing. Allele origin: germline.
Comment: This variant is classified as likely benign based on ACMG/AMP sequence variant interpretation guidelines (Richards et al. 2015 PMID: 25741868, with internal and published modifications).